The following is an entry in ClinVar:

ClinVar aggregate classification (germline): Likely benign (0 of 4 stars; one submission).

Conditions:
CAMTA1-related disorder. Also called: CAMTA1-related condition.

Allele frequency attached by ClinVar (database versions not stated): gnomAD exomes below 0.00001; ExAC 0.00001; gnomAD 0.00002; TOPMed 0.00002; ESP Exome Variant Server 0.00008.
gnomAD v4.1: 9 of 1,613,688 alleles (0.00056%); highest among the groups gnomAD compares: African/African-American, 0.008%; no homozygotes.

Submission:

PreventionGenetics, part of Exact Sciences
Classification: Likely benign for CAMTA1-related condition. Last evaluated: 2019-07-16. Review status: no assertion criteria provided. Collection method: clinical testing. Allele origin: germline.
Comment: This variant is classified as likely benign based on ACMG/AMP sequence variant interpretation guidelines (Richards et al. 2015 PMID: 25741868, with internal and published modifications).

NM_015215.4(CAMTA1):c.2697C>T (p.Ser899=)

Gene: CAMTA1 (calmodulin binding transcription activator 1; plus strand). Cytogenetic location: 1p36.23.
Variant type: single nucleotide variant.
Coding change: c.2697C>T on transcript NM_015215.4 (MANE Select); coding-DNA position 2697, C replaced by T.
Protein change: p.Ser899=; no amino-acid change (serine 899 retained).
Molecular consequence: synonymous variant. On other transcripts: 5 prime UTR variant (6).
Genome position (GRCh38, 1-based): chr1:7,670,955, C>T. VCF-style: chr1-7670955-C-T. GRCh37 (hg19) VCF-style: chr1-7731015-C-T.
Other names: c.2607C>T, p.Ser869= (NM_001349608.2, NM_001349612.2); c.2697C>T, p.Ser899= (NM_001349609.2, NM_001349610.2, NM_001410737.1); c.-232C>T (NM_001349614.1, NM_001349617.1, NM_001349620.1 and 3 more transcripts); c.2625C>T, p.Ser875= (NM_001410738.1).
Identifiers: ClinVar variation 3049723 (VCV003049723.2), dbSNP rs372047367, ClinGen allele CA566710.